The following is an entry in ClinVar:

ClinVar aggregate classification (germline): Uncertain significance (1 of 4 stars; one submission).

Allele frequency attached by ClinVar (database versions not stated): gnomAD exomes below 0.00001.
gnomAD v4.1: 3 of 1,614,080 alleles (0.00019%); highest among the groups gnomAD compares: East Asian, 0.0022%; no homozygotes.

Submission:

Labcorp Genetics (formerly Invitae), Labcorp
Classification: Uncertain significance. Last evaluated: 2019-11-06. Review status: criteria provided, single submitter. Criteria: Invitae Variant Classification Sherloc (09022015). Collection method: clinical testing. Allele origin: germline.
Comment: In summary, the available evidence is currently insufficient to determine the role of this variant in disease. Therefore, it has been classified as a Variant of Uncertain Significance. Algorithms developed to predict the effect of missense changes on protein structure and function (SIFT, PolyPhen-2, Align-GVGD) all suggest that this variant is likely to be tolerated, but these predictions have not been confirmed by published functional studies and their clinical significance is uncertain. This variant has not been reported in the literature in individuals with RP1-related conditions. This variant is not present in population databases (ExAC no frequency). This sequence change replaces histidine with arginine at codon 1118 of the RP1 protein (p.His1118Arg). The histidine residue is weakly conserved and there is a small physicochemical difference between histidine and arginine.

NM_006269.2(RP1):c.3353A>G (p.His1118Arg)

Gene: RP1 (RP1 axonemal microtubule associated; plus strand). Cytogenetic location: 8q12.1.
Variant type: single nucleotide variant.
Coding change: c.3353A>G on transcript NM_006269.2 (MANE Select); coding-DNA position 3353, A replaced by G.
Protein change: p.His1118Arg; replaces histidine 1118 with arginine.
Molecular consequence: missense variant. On other transcripts: intron variant (1).
Genome position (GRCh38, 1-based): chr8:54,627,235, A>G. VCF-style: chr8-54627235-A-G. GRCh37 (hg19) VCF-style: chr8-55539795-A-G.
Other names: c.787+4947A>G (NM_001375654.1); short protein forms H1118R.
Identifiers: ClinVar variation 971238 (VCV000971238.9), dbSNP rs1159155135, ClinGen allele CA370996179.